The following is an entry in ClinVar:

ClinVar aggregate classification (germline): Uncertain significance (1 of 4 stars; one submission).

Conditions:
Inborn genetic diseases. Identifiers: MedGen C0950123, MeSH D030342.

Submission:

Ambry Genetics
Classification: Uncertain significance for Inborn genetic diseases. Last evaluated: 2025-03-30. Review status: criteria provided, single submitter. Criteria: Ambry Variant Classification Scheme 2023. Collection method: clinical testing. Allele origin: germline.
Comment: The p.L984V variant (also known as c.2950C>G), located in coding exon 30 of the FANCA gene, results from a C to G substitution at nucleotide position 2950. The leucine at codon 984 is replaced by valine, an amino acid with highly similar properties. This amino acid position is conserved. In addition, the in silico prediction for this alteration is inconclusive. Based on the available evidence, the clinical significance of this variant remains unclear.

NM_000135.4(FANCA):c.2950C>G (p.Leu984Val)

Gene: FANCA (FA complementation group A; minus strand). Cytogenetic location: 16q24.3.
Variant type: single nucleotide variant.
Coding change: c.2950C>G on transcript NM_000135.4 (MANE Select); coding-DNA position 2950, C replaced by G.
Protein change: p.Leu984Val; replaces leucine 984 with valine.
Molecular consequence: missense variant.
Genome position (GRCh38, 1-based): chr16:89,758,608, G>C on the plus strand (C>G on the coding strand, the complement: FANCA is on the minus strand). VCF-style: chr16-89758608-G-C. GRCh37 (hg19) VCF-style: chr16-89825016-G-C.
Other names: c.2950C>G, p.Leu984Val (NM_001286167.3); short protein forms L984V.
Identifiers: ClinVar variation 4022128 (VCV004022128.1).